The following is an entry in ClinVar:

ClinVar aggregate classification (germline): Pathogenic/Likely pathogenic. Review status: criteria provided, multiple submitters, no conflicts (2 of 4 stars). 3 submissions from 3 submitters: Pathogenic (1); Likely pathogenic (1). 1 of the submissions does not count toward it. Last evaluated 2022-10-31.

Conditions:
Menkes kinky-hair syndrome (MNK). Also called: Menkes Disease; Copper transport disease; Classic Menkes Disease. Identifiers: Orphanet 565, MedGen C0022716, MONDO:0010651, OMIM 309400.
Cutis laxa, X-linked (OHS). Also called: EDS IX; Occipital horn syndrome. Identifiers: Orphanet 198, MedGen C0268353, MONDO:0010572, OMIM 304150.
X-linked distal spinal muscular atrophy type 3. Also called: SPINAL MUSCULAR ATROPHY, DISTAL, X-LINKED RECESSIVE; NEURONOPATHY, DISTAL HEREDITARY MOTOR, X-LINKED; NEUROPATHY, DISTAL HEREDITARY MOTOR, X-LINKED; ATP7A-Related Distal Motor Neuropathy. Identifiers: Orphanet 139557, MedGen C1845359, MONDO:0010338, OMIM 300489.

Submissions (3):

Labcorp Genetics (formerly Invitae), Labcorp
Classification: Likely pathogenic for X-linked distal spinal muscular atrophy type 3; Cutis laxa, X-linked; Menkes kinky-hair syndrome. Last evaluated: 2022-10-31. Review status: criteria provided, single submitter. Criteria: Invitae Variant Classification Sherloc (09022015). Collection method: clinical testing. Allele origin: germline.
Comment: Algorithms developed to predict the effect of sequence changes on RNA splicing suggest that this variant may disrupt the consensus splice site. In summary, the currently available evidence indicates that the variant is pathogenic, but additional data are needed to prove that conclusively. Therefore, this variant has been classified as Likely Pathogenic. ClinVar contains an entry for this variant (Variation ID: 210468). Disruption of this splice site has been observed in individual(s) with Menkes disease (PMID: 21494555). This variant is not present in population databases (gnomAD no frequency). This sequence change affects a donor splice site in intron 20 of the ATP7A gene. It is expected to disrupt RNA splicing. Variants that disrupt the donor or acceptor splice site typically lead to a loss of protein function (PMID: 16199547), and loss-of-function variants in ATP7A are known to be pathogenic (PMID: 11241493, 20652413).

Genetic Services Laboratory, University of Chicago
Classification: Pathogenic for Menkes disease. Last evaluated: 2013-02-08. Review status: criteria provided, single submitter. Criteria: ACMG Guidelines, 2007. Collection method: clinical testing. Allele origin: germline. Affected: yes.

Inherited Neuropathy Consortium Ii, University Of Miami
Classification: Uncertain significance for Menkes kinky-hair syndrome. Last evaluated: 2016-01-06. Review status: no assertion criteria provided. Collection method: literature only. Allele origin: germline. Affected: yes. Not counted in ClinVar's aggregate classification.

Literature cited by the submitters: PubMed 21494555 (cited by Labcorp Genetics (formerly Invitae), Labcorp); PubMed 16199547 (cited by Labcorp Genetics (formerly Invitae), Labcorp); PubMed 11241493 (cited by Labcorp Genetics (formerly Invitae), Labcorp); PubMed 20652413 (cited by Labcorp Genetics (formerly Invitae), Labcorp); PubMed 15981243 (cited by Inherited Neuropathy Consortium Ii, University Of Miami).

NM_000052.7(ATP7A):c.4005+1G>T

Gene: ATP7A (ATPase copper transporting alpha; plus strand). Cytogenetic location: Xq21.1.
Variant type: single nucleotide variant.
Coding change: c.4005+1G>T on transcript NM_000052.7 (MANE Select); the canonical splice donor site of the intron after coding-DNA position 4005, G replaced by T.
Molecular consequence: splice donor variant.
Genome position (GRCh38, 1-based): chrX:78,042,789, G>T. VCF-style: chrX-78042789-G-T. GRCh37 (hg19) VCF-style: chrX-77298287-G-T.
Other names: c.3771+1G>T (NM_001282224.2); c.4005+1G>T (NM_000052.6).
Identifiers: ClinVar variation 210468 (VCV000210468.12), dbSNP rs797045391, ClinGen allele CA277169.